The following is an entry in ClinVar:

ClinVar aggregate classification (germline): Conflicting classifications of pathogenicity. Review status: criteria provided, conflicting classifications (1 of 4 stars). 2 submissions from 2 submitters: Pathogenic (1); Uncertain significance (1). Last evaluated 2024-12-06.

Conditions:
Neurodegeneration with brain iron accumulation 5 (NBIA5). Also called: STATIC ENCEPHALOPATHY OF CHILDHOOD WITH NEURODEGENERATION IN ADULTHOOD; Beta-propeller protein-associated neurodegeneration. Identifiers: Orphanet 329284, MedGen C3550973, MONDO:0010476, OMIM 300894.

Submissions (2):

GeneDx
Classification: Pathogenic. Last evaluated: 2024-12-06. Review status: criteria provided, single submitter. Criteria: GeneDx Variant Classification Process June 2021. Collection method: clinical testing. Allele origin: germline.
Comment: Not observed at significant frequency in large population cohorts (gnomAD); In silico analysis supports that this missense variant has a deleterious effect on protein structure/function; Has not been previously published as pathogenic or benign to our knowledge

Labcorp Genetics (formerly Invitae), Labcorp
Classification: Uncertain significance for Neurodegeneration with brain iron accumulation 5. Last evaluated: 2023-08-18. Review status: criteria provided, single submitter. Criteria: Invitae Variant Classification Sherloc (09022015). Collection method: clinical testing. Allele origin: germline.
Comment: This variant disrupts the p.Cys311 amino acid residue in WDR45. Other variant(s) that disrupt this residue have been determined to be pathogenic (Invitae). This suggests that this residue is clinically significant, and that variants that disrupt this residue are likely to be disease-causing. In summary, the available evidence is currently insufficient to determine the role of this variant in disease. Therefore, it has been classified as a Variant of Uncertain Significance. Advanced modeling of protein sequence and biophysical properties (such as structural, functional, and spatial information, amino acid conservation, physicochemical variation, residue mobility, and thermodynamic stability) performed at Invitae indicates that this missense variant is expected to disrupt WDR45 protein function. This variant has not been reported in the literature in individuals affected with WDR45-related conditions. This variant is not present in population databases (gnomAD no frequency). This sequence change replaces cysteine, which is neutral and slightly polar, with tyrosine, which is neutral and polar, at codon 311 of the WDR45 protein (p.Cys311Tyr).

NM_001029896.2(WDR45):c.929G>A (p.Cys310Tyr)

Gene: WDR45 (WD repeat domain 45; minus strand). Cytogenetic location: Xp11.23.
Variant type: single nucleotide variant.
Coding change: c.929G>A on transcript NM_001029896.2 (MANE Select); coding-DNA position 929, G replaced by A.
Protein change: p.Cys310Tyr; replaces cysteine 310 with tyrosine.
Molecular consequence: missense variant.
Genome position (GRCh38, 1-based): chrX:49,075,180, C>T on the plus strand (G>A on the coding strand, the complement: WDR45 is on the minus strand). VCF-style: chrX-49075180-C-T. GRCh37 (hg19) VCF-style: chrX-48932839-C-T.
Other names: c.932G>A (NM_007075.3); c.932G>A, p.Cys311Tyr (NM_007075.4); short protein forms C311Y, C310Y.
Identifiers: ClinVar variation 2753696 (VCV002753696.5), dbSNP rs2520260197, ClinGen allele CA412941988.